The following is an entry in ClinVar:

NM_003500.4(ACOX2):c.1539C>T (p.Asp513=)

Gene: ACOX2 (acyl-CoA oxidase 2; minus strand). Cytogenetic location: 3p14.3.
Variant type: single nucleotide variant.
Coding change: c.1539C>T on transcript NM_003500.4 (MANE Select); coding-DNA position 1539, C replaced by T.
Protein change: p.Asp513=; no amino-acid change (aspartic acid 513 retained).
Molecular consequence: synonymous variant.
Genome position (GRCh38, 1-based): chr3:58,522,589, G>A on the plus strand (C>T on the coding strand, the complement: ACOX2 is on the minus strand). VCF-style: chr3-58522589-G-A. GRCh37 (hg19) VCF-style: chr3-58508316-G-A.
Identifiers: ClinVar variation 4987343 (VCV004987343.1).
Genomic context (GRCh38, chr3:58,522,589, plus strand): 5'-GTTCCAAGCCTCGTGCTGGTCAGCTCCGGATTGCGTCAGGGTCTGTAAATGCTGCACTGA[G>A]TCCTTTATGAGCCTGAAAGCCAAAGCAAAAAAGGTTCAGCTTCCTGACTGAGTGGAAAAG-3'
Protein context (NP_003491.1, residues 503-523): WAHVAVRLIK[Asp513=]SVQHLQTLTQ

ClinVar aggregate classification (germline): Likely benign (1 of 4 stars; one submission).

Conditions:
ACOX2-related disorder. Also called: ACOX2-related condition.

gnomAD v4.1: 5 of 1,614,052 alleles (0.00031%); highest among the groups gnomAD compares: African/African-American, 0.0027%; no homozygotes.

Submission:

PreventionGenetics, part of Exact Sciences
Classification: Likely benign for ACOX2-related condition. Last evaluated: 2025-04-30. Review status: criteria provided, single submitter. Criteria: ACMG Guidelines, 2015. Collection method: clinical testing. Allele origin: germline.
Comment: This variant is classified as likely benign based on ACMG/AMP sequence variant interpretation guidelines (Richards et al. 2015 PMID: 25741868, with internal and published modifications).